The following is an entry in ClinVar:

NM_004959.5(NR5A1):c.129CAA[1] (p.Asn44del)

Gene: NR5A1 (nuclear receptor subfamily 5 group A member 1; minus strand). Cytogenetic location: 9q33.3.
Variant type: Microsatellite.
Coding change: c.129CAA[1] on transcript NM_004959.5 (MANE Select); one copy of the 3-base unit CAA starting at c.129; the reference has two copies in a row; one copy, 3 bases deleted; also written c.132_134del.
Protein change: p.Asn44del; deletes asparagine 44.
Molecular consequence: inframe deletion.
Genome position (GRCh38, 1-based): chr9:124,503,189-124,503,191, TTG deleted on the plus strand (CAA on the coding strand, the reverse complement: NR5A1 is on the minus strand); deleting any 3 consecutive bases within chr9:124,503,189-124,503,196 gives the same sequence; the position shown is the placement nearest the transcript's 3' end. VCF-style (leftmost placement, unchanged base first): chr9-124503188-CTTG-C. GRCh37 (hg19) VCF-style: chr9-127265467-CTTG-C.
Other names: c.132_134del (NM_004959.5); short protein forms N44del.
Identifiers: ClinVar variation 851632 (VCV000851632.12), dbSNP rs1832494273, ClinGen allele CA916083061.
Genomic context (GRCh38, chr9:124,503,188, plus strand): 5'-ACAGCGCTTGCGCTGCGTCTTGTCGATCTTGCAGCTCTGGCTCTCGGTGCACGTGTAGTG[CTTG>C]TTGTTCTGCACCGTGCGCTTGAAGAAGCCCTGCGGGAGCTGAGAGTCAGCGAGGCCCCGC-3'

ClinVar aggregate classification (germline): Pathogenic/Likely pathogenic. Review status: criteria provided, multiple submitters, no conflicts (2 of 4 stars). 3 submissions from 3 submitters: Pathogenic (1); Likely pathogenic (2). Last evaluated 2024-05-23.

Conditions:
NR5A1-related disorder. Also called: NR5A1-related condition.
Oligosynaptic infertility (SPGF1). Also called: OLIGOCHIASMATIC INFERTILITY; SPERMATOGENIC FAILURE 1. Identifiers: MedGen C0403810, MONDO:0009776, OMIM 258150.
46 XY differences of sex development. Also called: 46, XY disorder of sex development (DSD); 46,XY disorder of sex development. Identifiers: Orphanet 98085, MedGen C2751824, MONDO:0020040.

Submissions (3):

Labcorp Genetics (formerly Invitae), Labcorp
Classification: Pathogenic for 46 XY differences of sex development; Oligosynaptic infertility. Last evaluated: 2024-05-23. Review status: criteria provided, single submitter. Criteria: Invitae Variant Classification Sherloc (09022015). Collection method: clinical testing. Allele origin: germline.
Comment: This variant, c.132_134del, results in the deletion of 1 amino acid(s) of the NR5A1 protein (p.Asn44del), but otherwise preserves the integrity of the reading frame. This variant is not present in population databases (gnomAD no frequency). This variant has been observed in individual(s) with clinical features of 46 XY disorders of sex development (PMID: 29582157, 30103258; Invitae). In at least one individual the variant was observed to be de novo. ClinVar contains an entry for this variant (Variation ID: 851632). Algorithms developed to predict the effect of variants on gene product structure and function are not available or were not evaluated for this variant. Experimental studies have shown that this variant affects NR5A1 function (PMID: 29582157, 30103258). For these reasons, this variant has been classified as Pathogenic.

Blueprint Genetics
Classification: Likely pathogenic for NR5A1-related disorders. Last evaluated: 2019-02-11. Review status: criteria provided, single submitter. Criteria: ACMG Guidelines, 2015. Collection method: clinical testing. Allele origin: germline. Affected: yes. Observed: 1 variant allele.

Clinical Genetics and Genomics, Karolinska University Hospital
Classification: Likely pathogenic. Last evaluated: 2017-02-16. Review status: criteria provided, single submitter. Criteria: ACMG Guidelines, 2015. Collection method: clinical testing. Allele origin: germline. Affected: yes. Observed: 1 variant allele.

Literature cited by the submitters: PubMed 29582157 (cited by Labcorp Genetics (formerly Invitae), Labcorp); PubMed 30103258 (cited by Labcorp Genetics (formerly Invitae), Labcorp).